The following is an entry in ClinVar:

ClinVar aggregate classification (germline): Uncertain significance. Review status: criteria provided, multiple submitters, no conflicts (2 of 4 stars). 4 submissions from 4 submitters: Uncertain significance (4). Last evaluated 2024-07-29.

Conditions:
Brugada syndrome 5 (BRGDA5). Identifiers: Orphanet 130, Orphanet 871, MedGen C2748541, MONDO:0013015, OMIM 612838.
Generalized epilepsy with febrile seizures plus, type 1 (GEFSP1). Also called: GEFS+, TYPE 1. Identifiers: Orphanet 36387, MedGen C1858672, MONDO:0011416, OMIM 604233.
Developmental and epileptic encephalopathy, 52 (DEE52). Also called: Epileptic encephalopathy, early infantile, 52. Identifiers: MedGen C4479236, MONDO:0033361, OMIM 617350.
Atrial fibrillation, familial, 13 (ATFB13). Identifiers: MedGen C3809311, MONDO:0014155, OMIM 615377.

Allele frequency attached by ClinVar (database versions not stated): ExAC 0.00006; gnomAD 0.00001 and 0.00002; TOPMed 0.00002; gnomAD exomes 0.00004 and 0.00002; ESP Exome Variant Server 0.00014.
gnomAD v4.1: 34 of 1,611,866 alleles (0.0021%); highest among the groups gnomAD compares: South Asian, 0.026%; no homozygotes.

Submissions (4):

GeneDx
Classification: Uncertain significance. Last evaluated: 2024-07-29. Review status: criteria provided, single submitter. Criteria: GeneDx Variant Classification Process June 2021. Collection method: clinical testing. Allele origin: germline. Affected: yes.
Comment: In silico analysis supports that this missense variant does not alter protein structure/function; Has not been previously published as pathogenic or benign to our knowledge; Reported using an alternate transcript of the gene

Genetics and Genomic Medicine Centre, NeuroGen Healthcare, NeuroGen Healthcare
Classification: Uncertain significance for Generalized epilepsy with febrile seizures plus, type 1. Last evaluated: 2024-07-10. Review status: criteria provided, single submitter. Criteria: ACMG Guidelines, 2015. Collection method: clinical testing. Allele origin: unknown. Affected: yes.

Labcorp Genetics (formerly Invitae), Labcorp
Classification: Uncertain significance for Brugada syndrome 5. Last evaluated: 2022-11-28. Review status: criteria provided, single submitter. Criteria: Invitae Variant Classification Sherloc (09022015). Collection method: clinical testing. Allele origin: germline.
Comment: Algorithms developed to predict the effect of missense changes on protein structure and function output the following: SIFT: "Deleterious"; PolyPhen-2: "Benign"; Align-GVGD: "Class C0". The leucine amino acid residue is found in multiple mammalian species, which suggests that this missense change does not adversely affect protein function. In summary, the available evidence is currently insufficient to determine the role of this variant in disease. Therefore, it has been classified as a Variant of Uncertain Significance. ClinVar contains an entry for this variant (Variation ID: 450936). This sequence change replaces proline, which is neutral and non-polar, with leucine, which is neutral and non-polar, at codon 184 of the SCN1B protein (p.Pro184Leu). This variant is present in population databases (rs372041274, gnomAD 0.04%). This missense change has been observed in individual(s) with clinical features of SCN1B-related conditions (Invitae).

Fulgent Genetics
Classification: Uncertain significance for Generalized epilepsy with febrile seizures plus, type 1; Brugada syndrome 5; Atrial fibrillation, familial, 13; Developmental and epileptic encephalopathy, 52. Last evaluated: 2021-09-13. Review status: criteria provided, single submitter. Criteria: ACMG Guidelines, 2015. Collection method: clinical testing. Allele origin: unknown.

NM_001037.5(SCN1B):c.448+103C>T

Gene: SCN1B (sodium voltage-gated channel beta subunit 1; plus strand). Cytogenetic location: 19q13.11.
Variant type: single nucleotide variant.
Coding change: c.448+103C>T on transcript NM_001037.5 (MANE Select); 103 bases into the intron after coding-DNA position 448, C replaced by T.
Molecular consequence: intron variant. On other transcripts: missense variant (1).
Genome position (GRCh38, 1-based): chr19:35,033,842, C>T. VCF-style: chr19-35033842-C-T. GRCh37 (hg19) VCF-style: chr19-35524746-C-T.
Other names: c.551C>T, p.Pro184Leu (NM_199037.5); c.349+103C>T (NM_001321605.2); short protein forms P184L.
Identifiers: ClinVar variation 450936 (VCV000450936.16), dbSNP rs372041274, ClinGen allele CA9372033.
Genomic context (GRCh38, chr19:35,033,842, plus strand): 5'-GAGCCAGATGGAGGGACAGATGGCAGGCAGTGGACAGGACAGGCTGGCTCTGTGCCTGGC[C>T]AGCCAACCGCCCACAGCAGCGGGCTGAGGGGGAGGGGAGCAGCCCCTCCTGCCCACTCCA-3'